The following is an entry in ClinVar:

NM_017671.5(FERMT1):c.-28T>C

Gene: FERMT1 (FERM domain containing kindlin 1; minus strand). Cytogenetic location: 20p12.3.
Variant type: single nucleotide variant.
Coding change: c.-28T>C on transcript NM_017671.5 (MANE Select); 28 bases upstream of the start codon, T replaced by C.
Molecular consequence: 5 prime UTR variant.
Genome position (GRCh38, 1-based): chr20:6,122,783, A>G on the plus strand (T>C on the coding strand, the complement: FERMT1 is on the minus strand). VCF-style: chr20-6122783-A-G. GRCh37 (hg19) VCF-style: chr20-6103430-A-G.
Identifiers: ClinVar variation 339237 (VCV000339237.7), dbSNP rs7273551, ClinGen allele CA10650150.

ClinVar aggregate classification (germline): Benign. Review status: criteria provided, multiple submitters, no conflicts (2 of 4 stars). 2 submissions from 2 submitters: Benign (2). Last evaluated 2021-05-04.

Conditions:
Kindler syndrome (KNDLRS). Also called: BULLOUS ACROKERATOTIC POIKILODERMA OF KINDLER AND WEARY; POIKILODERMA, CONGENITAL, WITH BULLAE, WEARY TYPE; POIKILODERMA, HEREDITARY ACROKERATOTIC; Hereditary acrokeratotic poikiloderma of Weary; Poikiloderma of Kindler; Congenital bullous poikiloderma. Identifiers: Orphanet 2908, Orphanet 306539, MedGen C0406557, MONDO:0008260, OMIM 173650.

Allele frequency attached by ClinVar (database versions not stated): gnomAD exomes 0.01887; gnomAD 0.02725 and 0.02930; 1000 Genomes Project 0.02835; 1000 Genomes Project 30x 0.03014; TOPMed 0.03123.
gnomAD v4.1: 4,113 of 152,434 alleles (2.7%); highest among the groups gnomAD compares: African/African-American, 9.3%; 186 homozygotes.

Submissions (2):

GeneDx
Classification: Benign. Last evaluated: 2021-05-04. Review status: criteria provided, single submitter. Criteria: GeneDx Variant Classification Process June 2021. Collection method: clinical testing. Allele origin: germline. Affected: yes.

Illumina Laboratory Services, Illumina
Classification: Benign for Kindler syndrome. Last evaluated: 2018-01-13. Review status: criteria provided, single submitter. Criteria: ICSL Variant Classification Criteria 13 December 2019. Collection method: clinical testing. Allele origin: germline.
Comment: This variant was observed in the ICSL laboratory as part of a predisposition screen in an ostensibly healthy population. It had not been previously curated by ICSL or reported in the Human Gene Mutation Database (HGMD: prior to June 1st, 2018), and was therefore a candidate for classification through an automated scoring system. Utilizing variant allele frequency, disease prevalence and penetrance estimates, and inheritance mode, an automated score was calculated to assess if this variant is too frequent to cause the disease. Based on the score and internal cut-off values, a variant classified as benign is not then subjected to further curation. The score for this variant resulted in a classification of benign for this disease.